The following is an entry in ClinVar:

NM_001999.4(FBN2):c.4375C>G (p.Leu1459Val)

Gene: FBN2 (fibrillin 2; minus strand). Cytogenetic location: 5q23.3.
Variant type: single nucleotide variant.
Coding change: c.4375C>G on transcript NM_001999.4 (MANE Select); coding-DNA position 4375, C replaced by G.
Protein change: p.Leu1459Val; replaces leucine 1459 with valine.
Molecular consequence: missense variant.
Genome position (GRCh38, 1-based): chr5:128,328,792, G>C on the plus strand (C>G on the coding strand, the complement: FBN2 is on the minus strand). VCF-style: chr5-128328792-G-C. GRCh37 (hg19) VCF-style: chr5-127664484-G-C.
Other names: short protein forms L1459V.
Identifiers: ClinVar variation 213326 (VCV000213326.2), dbSNP rs863223573, ClinGen allele CA324804.

ClinVar aggregate classification (germline): Uncertain significance (1 of 4 stars; one submission).

Allele frequency attached by ClinVar (database versions not stated): gnomAD exomes below 0.00001.
gnomAD v4.1: 1 of 1,614,102 alleles (0.000062%); highest among the groups gnomAD compares: Non-Finnish European, 0.000085%; no homozygotes.

Submission:

GeneDx
Classification: Uncertain significance. Last evaluated: 2014-08-06. Review status: criteria provided, single submitter. Criteria: GeneDx Variant Classification (06012015). Collection method: clinical testing. Allele origin: germline. Affected: yes.
Comment: p.Leu1459Val (CTC>GTC): c.4375 C>G in exon 34 of the FBN2 gene (NM_001999.3) Mutations in the FBN2 gene have been reported in 27-75% of patients with autosomal dominant congenital contractural arachnodactyly, which is associated with a risk of aortic root dilatation (Godfrey M et al., 2012). The L1459V variant has not been published as a mutation, nor has it been reported as a benign polymorphism to our knowledge. The L1459V variant was not observed in approximately 6,500 individuals of European and African American ancestry in the NHLBI Exome Sequencing Project, indicating it is not a common benign variant in these populations. This substitution occurs at a position that is conserved across species and in silico analysis predicts this variant is probably damaging to the protein structure/function. However, the L1459V variant is a conservative amino acid substitution, which is not likely to impact secondary protein structure as these residues share similar properties. Furthermore, missense mutations in nearby residues have not been reported, indicating this region of the protein may be tolerant of change. Therefore, based on the currently available information, it is unclear whether this variant is a pathogenic mutation or a rare benign variant.This variant was found in TAAD